The following is an entry in ClinVar:

ClinVar aggregate classification (germline): Likely pathogenic (1 of 4 stars; one submission).

Conditions:
Hereditary spastic paraplegia 15 (SPG15). Also called: SPASTIC PARAPLEGIA 15, AUTOSOMAL RECESSIVE; KJELLIN SYNDROME; SPASTIC PARAPLEGIA AND RETINAL DEGENERATION. Identifiers: Orphanet 100996, MedGen C1849128, MONDO:0010044, OMIM 270700.

Submission:

Myriad Genetics, Inc.
Classification: Likely pathogenic for Hereditary spastic paraplegia 15. Last evaluated: 2022-03-02. Review status: criteria provided, single submitter. Criteria: Myriad Women's Health Autosomal Recessive and X-Linked Classification Criteria (2021). Collection method: clinical testing. Allele origin: unknown.
Comment: NM_015346.3(ZFYVE26):c.4308C>G(Y1436*) is expected to be pathogenic in the context of spastic paraplegia type 15. This variant is predicted to lead to an abnormal or absent protein product due to the creation of a premature termination codon in ZFYVE26, a gene where loss-of-function variants are known to be pathogenic. Please note: this variant was assessed in the context of healthy population screening.

NM_015346.4(ZFYVE26):c.4308C>G (p.Tyr1436Ter)

Gene: ZFYVE26 (zinc finger FYVE-type containing 26; minus strand). Cytogenetic location: 14q24.1.
Variant type: single nucleotide variant.
Coding change: c.4308C>G on transcript NM_015346.4 (MANE Select); coding-DNA position 4308, C replaced by G.
Protein change: p.Tyr1436Ter; replaces tyrosine 1436 with a stop codon.
Molecular consequence: nonsense.
Genome position (GRCh38, 1-based): chr14:67,782,844, G>C on the plus strand (C>G on the coding strand, the complement: ZFYVE26 is on the minus strand). VCF-style: chr14-67782844-G-C. GRCh37 (hg19) VCF-style: chr14-68249561-G-C.
Other names: short protein forms Y1436*.
Identifiers: ClinVar variation 1724914 (VCV001724914.2), dbSNP rs369590424, ClinGen allele CA390170175.